The following is an entry in ClinVar:

NM_022101.4(STEEP1):c.169C>G (p.Arg57Gly)

Gene: STEEP1 (STING1 ER exit protein 1; minus strand). Cytogenetic location: Xq24.
Variant type: single nucleotide variant.
Coding change: c.169C>G on transcript NM_022101.4 (MANE Select); coding-DNA position 169, C replaced by G.
Protein change: p.Arg57Gly; replaces arginine 57 with glycine.
Molecular consequence: missense variant.
Genome position (GRCh38, 1-based): chrX:119,560,341, G>C on the plus strand (C>G on the coding strand, the complement: STEEP1 is on the minus strand). VCF-style: chrX-119560341-G-C. GRCh37 (hg19) VCF-style: chrX-118694304-G-C.
Other names: c.22C>G, p.Arg8Gly (NM_001170569.1); c.169C>G, p.Arg57Gly (NM_001170570.2); short protein forms R57G, R8G.
Identifiers: ClinVar variation 3062102 (VCV003062102.1), dbSNP rs985036677, ClinGen allele CA414372750.

ClinVar aggregate classification (germline): Uncertain significance (1 of 4 stars; one submission).

Conditions:
Intellectual developmental disorder, X-linked 107. Also called: MENTAL RETARDATION, X-LINKED 107; Intellectual disability, X-linked 107. Identifiers: MedGen C4692652, MONDO:0049222, OMIM 301013.

Submission:

Illumina Laboratory Services, Illumina
Classification: Uncertain significance for Intellectual developmental disorder, X-linked 107. Last evaluated: 2018-12-12. Review status: criteria provided, single submitter. Criteria: ICSLVariantClassificationCriteria RUGD 01 April 2020. Collection method: clinical testing. Allele origin: unknown.
Comment: The STEEP1 c.169C>G p.(Arg57Gly) missense variant, to our knowledge, has not been reported in the peer-reviewed literature. This variant is not observed in version 2.1.1 or version 4.0.0 of the Genome Aggregation Database. Based on the available evidence, the c.169C>G p.(Arg57Gly) variant is classified as a variant of uncertain significance for X-linked intellectual disability.